The following is an entry in ClinVar:

NM_000475.5(NR0B1):c.606C>A (p.Cys202Ter)

Gene: NR0B1 (nuclear receptor subfamily 0 group B member 1; minus strand). Cytogenetic location: Xp21.2.
Variant type: single nucleotide variant.
Coding change: c.606C>A on transcript NM_000475.5 (MANE Select); coding-DNA position 606, C replaced by A.
Protein change: p.Cys202Ter; replaces cysteine 202 with a stop codon.
Molecular consequence: nonsense.
Genome position (GRCh38, 1-based): chrX:30,308,758, G>T on the plus strand (C>A on the coding strand, the complement: NR0B1 is on the minus strand). VCF-style: chrX-30308758-G-T. GRCh37 (hg19) VCF-style: chrX-30326875-G-T.
Other names: short protein forms C202*.
Identifiers: ClinVar variation 2572545 (VCV002572545.1), dbSNP rs373712795, ClinGen allele CA412548276.

ClinVar aggregate classification (germline): Likely pathogenic (1 of 4 stars; one submission).

Conditions:
Congenital adrenal hypoplasia, X-linked (AHC). Also called: X-Linked Adrenal Hypoplasia Congenita; Isolated X-Linked Adrenal Hypoplasia Congenita; X-linked AHC; ADRENAL HYPOPLASIA, CONGENITAL, WITH HYPOGONADOTROPIC HYPOGONADISM. Identifiers: Orphanet 95702, MedGen C0342482, MONDO:0010264, OMIM 300200. Disease mechanism: loss of function.

Submission:

3billion
Classification: Likely pathogenic for Congenital adrenal hypoplasia, X-linked. Review status: criteria provided, single submitter. Criteria: ACMG Guidelines, 2015. Collection method: clinical testing. Allele origin: unknown. Affected: yes. Observed: 1 hemizygote.
Comment: The variant is not observed in the gnomAD v2.1.1 dataset. The variant is predicted to result in a loss or disruption of normal protein function through nonsense-mediated decay (NMD) or protein truncation. Multiple pathogenic variants are reported downstream of the variant. Therefore, this variant is classified as Likely pathogenic according to the recommendation of ACMG/AMP guideline.